The following is an entry in ClinVar:

ClinVar aggregate classification (germline): Likely pathogenic (1 of 4 stars; one submission).

Conditions:
Glycogen phosphorylase kinase deficiency. Also called: Phosphorylase Kinase Deficiency; Glycogen Storage Disease Type IX. Identifiers: Orphanet 370, MedGen C0268147, MONDO:0700291.

Submission:

Women's Health and Genetics/Laboratory Corporation of America, LabCorp
Classification: Likely pathogenic for Glycogen phosphorylase kinase deficiency. Last evaluated: 2022-10-25. Review status: criteria provided, single submitter. Criteria: LabCorp Variant Classification Summary - May 2015. Collection method: clinical testing. Allele origin: germline.
Comment: Variant summary: The variant identified by MLPA or other technology involves the deletion of exons 2-5 in the PHKB gene. A presumed nomenclature of c.(76+1_77-1)_(513+1_514-1)del has been designated for the purposes of this classification. Although exact breakpoints of this deletion are not known, it is expected to result in a frameshift in the PHKB gene, a known mechanism of disease. The variant was absent in 21694 control chromosomes (gnomAD, Structural Variants dataset). To our knowledge, no occurrence of c.(76+1_77-1)_(513+1_514-1)del in individuals affected with Glycogen Phosphorylase Kinase Deficiency and no experimental evidence demonstrating its impact on protein function have been reported. No clinical diagnostic laboratories have submitted clinical-significance assessments for this variant to ClinVar after 2014. Based on the evidence outlined above, the variant was classified as likely pathogenic.

NC_000016.9:g.(47495338_47531309)_(47545684_47549431)del

Gene: PHKB (phosphorylase kinase regulatory subunit beta; plus strand). Cytogenetic location: 16q12.1.
Variant type: Deletion.
Identifiers: ClinVar variation 1723385 (VCV001723385.1).